The following is an entry in ClinVar:

NM_000327.4(ROM1):c.29C>G (p.Pro10Arg)

Gene: ROM1 (retinal outer segment membrane protein 1; plus strand). Cytogenetic location: 11q12.3.
Variant type: single nucleotide variant.
Coding change: c.29C>G on transcript NM_000327.4 (MANE Select); coding-DNA position 29, C replaced by G.
Protein change: p.Pro10Arg; replaces proline 10 with arginine.
Molecular consequence: missense variant.
Genome position (GRCh38, 1-based): chr11:62,613,310, C>G. VCF-style: chr11-62613310-C-G. GRCh37 (hg19) VCF-style: chr11-62380782-C-G.
Other names: short protein forms P10R.
Identifiers: ClinVar variation 1903390 (VCV001903390.5), dbSNP rs370079204, ClinGen allele CA6049629.

ClinVar aggregate classification (germline): Uncertain significance (1 of 4 stars; one submission).

Allele frequency attached by ClinVar (database versions not stated): ExAC 0.00002; gnomAD 0.00003; TOPMed 0.00003; ESP Exome Variant Server 0.00008.

Submission:

Labcorp Genetics (formerly Invitae), Labcorp
Classification: Uncertain significance. Last evaluated: 2025-03-16. Review status: criteria provided, single submitter. Criteria: Invitae Variant Classification Sherloc (09022015). Collection method: clinical testing. Allele origin: germline.
Comment: This sequence change replaces proline, which is neutral and non-polar, with arginine, which is basic and polar, at codon 10 of the ROM1 protein (p.Pro10Arg). The frequency data for this variant in the population databases is considered unreliable, as metrics indicate poor data quality at this position in the gnomAD database. This variant has not been reported in the literature in individuals affected with ROM1-related conditions. ClinVar contains an entry for this variant (Variation ID: 1903390). Invitae Evidence Modeling of protein sequence and biophysical properties (such as structural, functional, and spatial information, amino acid conservation, physicochemical variation, residue mobility, and thermodynamic stability) indicates that this missense variant is not expected to disrupt ROM1 protein function with a negative predictive value of 80%. In summary, the available evidence is currently insufficient to determine the role of this variant in disease. Therefore, it has been classified as a Variant of Uncertain Significance.